The following is an entry in ClinVar:

NM_001194.4(HCN2):c.2628C>G (p.Asp876Glu)

Gene: HCN2 (hyperpolarization activated cyclic nucleotide gated potassium and sodium channel 2; plus strand). Cytogenetic location: 19p13.3.
Variant type: single nucleotide variant.
Coding change: c.2628C>G on transcript NM_001194.4 (MANE Select); coding-DNA position 2628, C replaced by G.
Protein change: p.Asp876Glu; replaces aspartic acid 876 with glutamic acid.
Molecular consequence: missense variant.
Genome position (GRCh38, 1-based): chr19:616,432, C>G. VCF-style: chr19-616432-C-G. GRCh37 (hg19) VCF-style: chr19-616432-C-G.
Other names: short protein forms D876E.
Identifiers: ClinVar variation 3731235 (VCV003731235.2).

ClinVar aggregate classification (germline): Uncertain significance (1 of 4 stars; one submission).

gnomAD v4.1: 8 of 1,246,172 alleles (0.00064%); highest among the groups gnomAD compares: South Asian, 0.015%; no homozygotes.

Submission:

GeneDx
Classification: Uncertain significance. Last evaluated: 2026-07-22. Review status: criteria provided, single submitter. Criteria: GeneDx Variant Classification Process June 2021. Collection method: clinical testing. Allele origin: germline.
Comment: Not observed at significant frequency in large population cohorts (gnomAD); In silico analysis suggests that this missense variant does not alter protein structure/function; Has not been previously published as pathogenic or benign to our knowledge